The following is an entry in ClinVar:

NM_000363.5(TNNI3):c.74A>T (p.Asn25Ile)

Gene: TNNI3 (troponin I3, cardiac type; minus strand). Cytogenetic location: 19q13.42.
Variant type: single nucleotide variant.
Coding change: c.74A>T on transcript NM_000363.5 (MANE Select); coding-DNA position 74, A replaced by T.
Protein change: p.Asn25Ile; replaces asparagine 25 with isoleucine.
Molecular consequence: missense variant.
Genome position (GRCh38, 1-based): chr19:55,157,084, T>A on the plus strand (A>T on the coding strand, the complement: TNNI3 is on the minus strand). VCF-style: chr19-55157084-T-A. GRCh37 (hg19) VCF-style: chr19-55668452-T-A.
Other names: short protein forms N25I.
Identifiers: ClinVar variation 921523 (VCV000921523.4), dbSNP rs1555864368, ClinGen allele CA407443023.

ClinVar aggregate classification (germline): Uncertain significance (1 of 4 stars; one submission).

Conditions:
Cardiomyopathy (CMYO). Also called: Cardiomyopathies. Identifiers: Orphanet 167848, MedGen C0878544, MONDO:0004994, HP:0001638. Inheritance: Various modes of inheritance.

Submission:

Color Diagnostics, LLC DBA Color Health
Classification: Uncertain significance for Cardiomyopathy. Last evaluated: 2024-03-07. Review status: criteria provided, single submitter. Criteria: ACMG Guidelines, 2015. Collection method: clinical testing. Allele origin: germline.
Comment: This missense variant replaces asparagine with isoleucine at codon 25 of the TNNI3 protein. Computational prediction tool is inconclusive regarding the impact of this variant on protein structure and function (internally defined REVEL score threshold 0.5 < inconclusive < 0.7, PMID: 27666373). Splice site prediction tools suggest that this variant may not impact RNA splicing. To our knowledge, functional studies have not been performed for this variant. This variant has not been reported in individuals affected with cardiovascular disorders in the literature. This variant has not been identified in the general population by the Genome Aggregation Database (gnomAD). The available evidence is insufficient to determine the role of this variant in disease conclusively. Therefore, this variant is classified as a Variant of Uncertain Significance.